The following is an entry in ClinVar:

ClinVar aggregate classification (germline): Uncertain significance (1 of 4 stars; one submission).

gnomAD v4.1: 1 of 1,613,900 alleles (0.000062%); highest among the groups gnomAD compares: Non-Finnish European, 0.000085%; no homozygotes.

Submission:

GeneDx
Classification: Uncertain significance. Last evaluated: 2025-11-04. Review status: criteria provided, single submitter. Criteria: GeneDx Variant Classification Process June 2021. Collection method: clinical testing. Allele origin: germline.
Comment: Not observed at significant frequency in large population cohorts (gnomAD); In silico analysis suggests that this missense variant does not alter protein structure/function; Has not been previously published as pathogenic or benign to our knowledge

NM_007118.4(TRIO):c.5779C>T (p.Pro1927Ser)

Gene: TRIO (trio Rho guanine nucleotide exchange factor; plus strand). Cytogenetic location: 5p15.2.
Variant type: single nucleotide variant.
Coding change: c.5779C>T on transcript NM_007118.4 (MANE Select); coding-DNA position 5779, C replaced by T.
Protein change: p.Pro1927Ser; replaces proline 1927 with serine.
Molecular consequence: missense variant. On other transcripts: non-coding transcript variant (1).
Genome position (GRCh38, 1-based): chr5:14,471,333, C>T. VCF-style: chr5-14471333-C-T. GRCh37 (hg19) VCF-style: chr5-14471442-C-T.
Other names: short protein forms P1927S.
Identifiers: ClinVar variation 4282082 (VCV004282082.2).
Genomic context (GRCh38, chr5:14,471,333, plus strand): 5'-GGGCTGTGGGCAGTAAGTGTTGTTGATTATGTCAATTTCTTCCAGGCACTGGAGGATCGC[C>T]CCAGCTCACTCCTTGTTGACCAGGGAGATAGTAGCAGCCCTTCCTTCAACCCTTCGGATA-3'
Protein context (NP_009049.2, residues 1917-1937): VKSKMALEDR[Pro1927Ser]SSLLVDQGDS